The following is an entry in ClinVar:

NM_000827.4(GRIA1):c.594G>T (p.Arg198=)

Gene: GRIA1 (glutamate ionotropic receptor AMPA type subunit 1; plus strand). Cytogenetic location: 5q33.2.
Variant type: single nucleotide variant.
Coding change: c.594G>T on transcript NM_000827.4 (MANE Select); coding-DNA position 594, G replaced by T.
Protein change: p.Arg198=; no amino-acid change (arginine 198 retained).
Molecular consequence: synonymous variant. On other transcripts: non-coding transcript variant (2).
Genome position (GRCh38, 1-based): chr5:153,650,463, G>T. VCF-style: chr5-153650463-G-T. GRCh37 (hg19) VCF-style: chr5-153030023-G-T.
Other names: c.594G>T, p.Arg198= (NM_001114183.2, NM_001364165.2); c.354G>T, p.Arg118= (NM_001258019.2); c.309G>T, p.Arg103= (NM_001258020.2); c.624G>T, p.Arg208= (NM_001258021.2, NM_001258022.2); c.387G>T, p.Arg129= (NM_001258023.1, NM_001364167.2); c.621G>T, p.Arg207= (NM_001364166.2).
Identifiers: ClinVar variation 4533952 (VCV004533952.6).

ClinVar aggregate classification (germline): Likely benign (1 of 4 stars; one submission).

gnomAD v4.1: 81 of 1,613,884 alleles (0.005%); highest among the groups gnomAD compares: Middle Eastern, 0.066%; no homozygotes.

Submission:

CeGaT Center for Human Genetics Tuebingen
Classification: Likely benign. Last evaluated: 2025-11-01. Review status: criteria provided, single submitter. Criteria: CeGaT Center For Human Genetics Tuebingen Variant Classification Criteria Version 2. Collection method: clinical testing. Allele origin: germline. Affected: yes. Observed: 1 variant allele.
Comment: GRIA1: BP4, BP7